The following is an entry in ClinVar:

ClinVar aggregate classification (germline): Uncertain significance (1 of 4 stars; one submission).

Conditions:
Familial infantile myasthenia (CMS6). Also called: Congenital myasthenic syndrome type 6; MYASTHENIC SYNDROME, CONGENITAL, 6, PRESYNAPTIC; MYASTHENIC SYNDROME, PRESYNAPTIC, CONGENITAL, ASSOCIATED WITH EPISODIC APNEA. Identifiers: Orphanet 590, MedGen C0393929, MONDO:0009689, OMIM 254210.

Allele frequency attached by ClinVar (database versions not stated): gnomAD exomes 0.00001 and 0.00002; TOPMed 0.00001; ExAC 0.00002; gnomAD 0.00002.
gnomAD v4.1: 20 of 1,614,122 alleles (0.0012%); highest among the groups gnomAD compares: African/African-American, 0.0067%; no homozygotes.

Submission:

Labcorp Genetics (formerly Invitae), Labcorp
Classification: Uncertain significance for Familial infantile myasthenia. Last evaluated: 2026-01-12. Review status: criteria provided, single submitter. Criteria: Invitae Variant Classification Sherloc (09022015). Collection method: clinical testing. Allele origin: germline.
Comment: This sequence change replaces glutamic acid, which is acidic and polar, with lysine, which is basic and polar, at codon 729 of the CHAT protein (p.Glu729Lys). This variant is present in population databases (rs751461280, gnomAD 0.03%). This variant has not been reported in the literature in individuals affected with CHAT-related conditions. ClinVar contains an entry for this variant (Variation ID: 1468080). Invitae Evidence Modeling of protein sequence and biophysical properties (such as structural, functional, and spatial information, amino acid conservation, physicochemical variation, residue mobility, and thermodynamic stability) indicates that this missense variant is not expected to disrupt CHAT protein function with a negative predictive value of 95%. In summary, the available evidence is currently insufficient to determine the role of this variant in disease. Therefore, it has been classified as a Variant of Uncertain Significance.

NM_020549.5(CHAT):c.2185G>A (p.Glu729Lys)

Gene: CHAT (choline O-acetyltransferase; plus strand). Cytogenetic location: 10q11.23.
Variant type: single nucleotide variant.
Coding change: c.2185G>A on transcript NM_020549.5 (MANE Select); coding-DNA position 2185, G replaced by A.
Protein change: p.Glu729Lys; replaces glutamic acid 729 with lysine.
Molecular consequence: missense variant.
Genome position (GRCh38, 1-based): chr10:49,664,984, G>A. VCF-style: chr10-49664984-G-A. GRCh37 (hg19) VCF-style: chr10-50873030-G-A.
Other names: c.1831G>A, p.Glu611Lys (NM_001142929.2, NM_001142934.2, NM_020984.4 and 2 more transcripts); c.1939G>A, p.Glu647Lys (NM_001142933.2); short protein forms E729K, E611K, E647K.
Identifiers: ClinVar variation 1468080 (VCV001468080.7), dbSNP rs751461280, ClinGen allele CA5497730.
Genomic context (GRCh38, chr10:49,664,984, plus strand): 5'-AAAGCTGTGGAAGAAAGCCTCATTGACATGAGAGACCTCTGCAGTCTGCTGCCGCCTACT[G>A]AGAGCAAGCCATTGGCAACAAAGGAAAAAGCCACGAGGCCCAGCCAGGGACACCAACCTT-3'
Protein context (NP_065574.4, residues 719-739): RDLCSLLPPT[Glu729Lys]SKPLATKEKA